The following is an entry in ClinVar:

NM_005802.5(TOPORS):c.1607A>C (p.His536Pro)

Gene: TOPORS (TOP1 binding arginine/serine rich protein, E3 ubiquitin ligase; minus strand). Cytogenetic location: 9p21.1.
Variant type: single nucleotide variant.
Coding change: c.1607A>C on transcript NM_005802.5 (MANE Select); coding-DNA position 1607, A replaced by C.
Protein change: p.His536Pro; replaces histidine 536 with proline.
Molecular consequence: missense variant.
Genome position (GRCh38, 1-based): chr9:32,542,918, T>G on the plus strand (A>C on the coding strand, the complement: TOPORS is on the minus strand). VCF-style: chr9-32542918-T-G. GRCh37 (hg19) VCF-style: chr9-32542916-T-G.
Other names: c.1412A>C, p.His471Pro (NM_001195622.2); short protein forms H471P, H536P.
Identifiers: ClinVar variation 3647027 (VCV003647027.2).

ClinVar aggregate classification (germline): Uncertain significance (1 of 4 stars; one submission).

gnomAD v4.1: 1 of 1,614,040 alleles (0.000062%); highest among the groups gnomAD compares: African/African-American, 0.0013%; no homozygotes.

Submission:

Labcorp Genetics (formerly Invitae), Labcorp
Classification: Uncertain significance. Last evaluated: 2024-03-20. Review status: criteria provided, single submitter. Criteria: Invitae Variant Classification Sherloc (09022015). Collection method: clinical testing. Allele origin: germline.
Comment: This sequence change replaces histidine, which is basic and polar, with proline, which is neutral and non-polar, at codon 536 of the TOPORS protein (p.His536Pro). This variant is present in population databases (rs538567994, gnomAD 0.007%). This variant has not been reported in the literature in individuals affected with TOPORS-related conditions. An algorithm developed to predict the effect of missense changes on protein structure and function (PolyPhen-2) suggests that this variant is likely to be tolerated. In summary, the available evidence is currently insufficient to determine the role of this variant in disease. Therefore, it has been classified as a Variant of Uncertain Significance.